The following is an entry in ClinVar:

ClinVar aggregate classification (germline): Benign/Likely benign (0 of 4 stars; one submission).

Submission:

ISCA Site 6
Classification: Benign/Likely benign. Review status: no assertion criteria provided. Collection method: clinical testing. Allele origin: unknown. Affected: yes. Observed: 4 variant alleles. Clinical features observed: Developmental delay AND/OR other significant developmental or morphological phenotypes.
Comment: Likely benign (1), Benign (3)

Copy number variation identified through the course of routine clinical cytogenomic testing in postnatal populations, with clinical assertions as classified by the original submitter. For data from the original published study, Kaminsky, et al. 2011 (PubMed 21844811), please see nstd101.

GRCh37/hg19 9q34.2(chr9:135947140-135962157)x3

Gene: CEL (carboxyl ester lipase; plus strand). Cytogenetic location: 9q34.2.
Variant type: copy number gain.
Change: copy number 3 (three copies instead of two) of chr9:135,947,140-135,962,157 (15.0 kb, GRCh37 coordinates, 1-based), cytogenetic band 9q34.2.
Identifiers: ClinVar variation 395522 (VCV000395522.3).